The following is an entry in ClinVar:

NM_007327.4(GRIN1):c.1139T>C (p.Ile380Thr)

Gene: GRIN1 (glutamate ionotropic receptor NMDA type subunit 1; plus strand). Cytogenetic location: 9q34.3.
Variant type: single nucleotide variant.
Coding change: c.1139T>C on transcript NM_007327.4 (MANE Select); coding-DNA position 1139, T replaced by C.
Protein change: p.Ile380Thr; replaces isoleucine 380 with threonine.
Molecular consequence: missense variant.
Genome position (GRCh38, 1-based): chr9:137,158,646, T>C. VCF-style: chr9-137158646-T-C. GRCh37 (hg19) VCF-style: chr9-140053098-T-C.
Other names: c.1139T>C, p.Ile380Thr (NM_000832.7, NM_021569.4); c.1202T>C, p.Ile401Thr (NM_001185090.2, NM_001185091.2, NM_001437330.1 and 1 more transcripts); short protein forms I380T, I401T.
Identifiers: ClinVar variation 4755588 (VCV004755588.1).

ClinVar aggregate classification (germline): Uncertain significance (1 of 4 stars; one submission).

Submission:

GeneDx
Classification: Uncertain significance. Last evaluated: 2025-08-05. Review status: criteria provided, single submitter. Criteria: GeneDx Variant Classification Process June 2021. Collection method: clinical testing. Allele origin: germline. Affected: yes.
Comment: Not observed at significant frequency in large population cohorts (gnomAD); In silico analysis supports that this missense variant has a deleterious effect on protein structure/function; Has not been previously published as pathogenic or benign to our knowledge